The following is an entry in ClinVar:

NM_031935.3(HMCN1):c.13888G>A (p.Val4630Met)

Gene: HMCN1 (hemicentin 1; plus strand). Cytogenetic location: 1q31.1.
Variant type: single nucleotide variant.
Coding change: c.13888G>A on transcript NM_031935.3 (MANE Select); coding-DNA position 13888, G replaced by A.
Protein change: p.Val4630Met; replaces valine 4630 with methionine.
Molecular consequence: missense variant.
Genome position (GRCh38, 1-based): chr1:186,137,936, G>A. VCF-style: chr1-186137936-G-A. GRCh37 (hg19) VCF-style: chr1-186107068-G-A.
Other names: short protein forms V4630M.
Identifiers: ClinVar variation 294269 (VCV000294269.10), dbSNP rs146247104, ClinGen allele CA1294786.

ClinVar aggregate classification (germline): Uncertain significance. Review status: criteria provided, multiple submitters, no conflicts (2 of 4 stars). 3 submissions from 3 submitters: Uncertain significance (3). Last evaluated 2025-09-22.

Conditions:
Age related macular degeneration 1 (ARMD1). Also called: MACULOPATHY, AGE-RELATED, 1. Identifiers: MedGen C1864205, MONDO:0011285, OMIM 603075.

Allele frequency attached by ClinVar (database versions not stated): ExAC 0.00002; gnomAD exomes 0.00004; gnomAD 0.00005; TOPMed 0.00005; ESP Exome Variant Server 0.00023.
gnomAD v4.1: 51 of 1,613,866 alleles (0.0032%); highest among the groups gnomAD compares: African/African-American, 0.015%; no homozygotes.

Submissions (3):

Labcorp Genetics (formerly Invitae), Labcorp
Classification: Uncertain significance. Last evaluated: 2025-09-22. Review status: criteria provided, single submitter. Criteria: Invitae Variant Classification Sherloc (09022015). Collection method: clinical testing. Allele origin: germline.
Comment: This sequence change replaces valine, which is neutral and non-polar, with methionine, which is neutral and non-polar, at codon 4630 of the HMCN1 protein (p.Val4630Met). This variant is present in population databases (rs146247104, gnomAD 0.02%). This variant has not been reported in the literature in individuals affected with HMCN1-related conditions. ClinVar contains an entry for this variant (Variation ID: 294269). An algorithm developed to predict the effect of missense changes on protein structure and function outputs the following: PolyPhen-2: "Benign". The methionine amino acid residue is found in multiple mammalian species, which suggests that this missense change does not adversely affect protein function. In summary, the available evidence is currently insufficient to determine the role of this variant in disease. Therefore, it has been classified as a Variant of Uncertain Significance.

Genome-Nilou Lab
Classification: Uncertain significance for Age related macular degeneration 1. Last evaluated: 2023-04-11. Review status: criteria provided, single submitter. Criteria: ACMG Guidelines, 2015. Collection method: clinical testing. Allele origin: germline. Affected: no.

Illumina Laboratory Services, Illumina
Classification: Uncertain significance for Age related macular degeneration 1. Last evaluated: 2018-01-13. Review status: criteria provided, single submitter. Criteria: ICSL Variant Classification Criteria 13 December 2019. Collection method: clinical testing. Allele origin: germline.